The following is an entry in ClinVar:

ClinVar aggregate classification (germline): Uncertain significance (1 of 4 stars; one submission).

Conditions:
Ehlers-Danlos syndrome, classic type, 1 (EDSCL1). Also called: EHLERS-DANLOS SYNDROME, GRAVIS TYPE; EHLERS-DANLOS SYNDROME, SEVERE CLASSIC TYPE; Ehlers-Danlos syndrome, type 1; Ehlers-Danlos Syndrome, Classic Type, COL5A1-Related; EDS I. Identifiers: MedGen C0268335, MONDO:0019567, OMIM 130000.
Osteogenesis imperfecta type I (OI1). Also called: OI, TYPE I; OSTEOGENESIS IMPERFECTA TARDA; OSTEOGENESIS IMPERFECTA WITH BLUE SCLERAE; Osteogenesis imperfecta type 1; Lobstein's Disease; Lobstein disease. Identifiers: Orphanet 216796, Orphanet 666, MedGen C0023931, MONDO:0008146, OMIM 166200. Disease mechanism: loss of function.

Submission:

Labcorp Genetics (formerly Invitae), Labcorp
Classification: Uncertain significance for Osteogenesis imperfecta type I; Ehlers-Danlos syndrome, classic type, 1. Last evaluated: 2026-01-18. Review status: criteria provided, single submitter. Criteria: Invitae Variant Classification Sherloc (09022015). Collection method: clinical testing. Allele origin: germline.
Comment: This sequence change replaces leucine, which is neutral and non-polar, with histidine, which is basic and polar, at codon 173 of the COL1A2 protein (p.Leu173His). This variant is not present in population databases (gnomAD no frequency). This variant has not been reported in the literature in individuals affected with COL1A2-related conditions. Invitae Evidence Modeling of protein sequence and biophysical properties (such as structural, functional, and spatial information, amino acid conservation, physicochemical variation, residue mobility, and thermodynamic stability) indicates that this missense variant is not expected to disrupt COL1A2 protein function with a negative predictive value of 80%. In summary, the available evidence is currently insufficient to determine the role of this variant in disease. Therefore, it has been classified as a Variant of Uncertain Significance.

NM_000089.4(COL1A2):c.518T>A (p.Leu173His)

Gene: COL1A2 (collagen type I alpha 2 chain; plus strand). Cytogenetic location: 7q21.3.
Variant type: single nucleotide variant.
Coding change: c.518T>A on transcript NM_000089.4 (MANE Select); coding-DNA position 518, T replaced by A.
Protein change: p.Leu173His; replaces leucine 173 with histidine.
Molecular consequence: missense variant.
Genome position (GRCh38, 1-based): chr7:94,405,704, T>A. VCF-style: chr7-94405704-T-A. GRCh37 (hg19) VCF-style: chr7-94035016-T-A.
Other names: short protein forms L173H.
Identifiers: ClinVar variation 4788912 (VCV004788912.1).